The following is an entry in ClinVar:

NM_152713.5(STT3A):c.1366-3T>A

Gene: STT3A (STT3 oligosaccharyltransferase complex catalytic subunit A; plus strand). Cytogenetic location: 11q24.2.
Variant type: single nucleotide variant.
Coding change: c.1366-3T>A on transcript NM_152713.5 (MANE Select); 3 bases into the intron before coding-DNA position 1366, T replaced by A.
Molecular consequence: intron variant.
Genome position (GRCh38, 1-based): chr11:125,612,986, T>A. VCF-style: chr11-125612986-T-A. GRCh37 (hg19) VCF-style: chr11-125482881-T-A.
Other names: c.1366-3T>A (NM_001278503.2); c.1090-3T>A (NM_001278504.2).
Identifiers: ClinVar variation 1010471 (VCV001010471.8), dbSNP rs1298549048, ClinGen allele CA602584469.

ClinVar aggregate classification (germline): Uncertain significance (1 of 4 stars; one submission).

Allele frequency attached by ClinVar (database versions not stated): gnomAD exomes below 0.00001.
gnomAD v4.1: 1 of 1,613,450 alleles (0.000062%); highest among the groups gnomAD compares: Admixed American, 0.0017%; no homozygotes.

Submission:

Labcorp Genetics (formerly Invitae), Labcorp
Classification: Uncertain significance. Last evaluated: 2022-08-09. Review status: criteria provided, single submitter. Criteria: Invitae Variant Classification Sherloc (09022015). Collection method: clinical testing. Allele origin: germline.
Comment: In summary, the available evidence is currently insufficient to determine the role of this variant in disease. Therefore, it has been classified as a Variant of Uncertain Significance. Variants that disrupt the consensus splice site are a relatively common cause of aberrant splicing (PMID: 17576681, 9536098). Algorithms developed to predict the effect of sequence changes on RNA splicing suggest that this variant is not likely to affect RNA splicing. ClinVar contains an entry for this variant (Variation ID: 1010471). This variant has not been reported in the literature in individuals affected with STT3A-related conditions. This variant is present in population databases (no rsID available, gnomAD 0.003%). This sequence change falls in intron 13 of the STT3A gene. It does not directly change the encoded amino acid sequence of the STT3A protein. It affects a nucleotide within the consensus splice site.

Literature cited by the submitters: PubMed 17576681; PubMed 9536098.